The following is an entry in ClinVar:

NM_005263.5(GFI1):c.233G>C (p.Ser78Thr)

Gene: GFI1 (growth factor independent 1 transcriptional repressor; minus strand). Cytogenetic location: 1p22.1.
Variant type: single nucleotide variant.
Coding change: c.233G>C on transcript NM_005263.5 (MANE Select); coding-DNA position 233, G replaced by C.
Protein change: p.Ser78Thr; replaces serine 78 with threonine.
Molecular consequence: missense variant.
Genome position (GRCh38, 1-based): chr1:92,482,929, C>G on the plus strand (G>C on the coding strand, the complement: GFI1 is on the minus strand). VCF-style: chr1-92482929-C-G. GRCh37 (hg19) VCF-style: chr1-92948486-C-G.
Other names: c.233G>C, p.Ser78Thr (NM_001127215.3, NM_001127216.3); short protein forms S78T.
Identifiers: ClinVar variation 1517491 (VCV001517491.29), dbSNP rs770306507, ClinGen allele CA951456.

ClinVar aggregate classification (germline): Conflicting classifications of pathogenicity. Review status: criteria provided, conflicting classifications (1 of 4 stars). 3 submissions from 3 submitters: Uncertain significance (2); Likely benign (1). Last evaluated 2024-11-27.

Conditions:
Neutropenia, severe congenital, 2, autosomal dominant. Identifiers: Orphanet 486, MedGen C2751288, MONDO:0013139, OMIM 613107.
Nonimmune chronic idiopathic neutropenia of adults. Identifiers: Orphanet 2688, MedGen C1842930, MONDO:0011922, OMIM 607847.

Allele frequency attached by ClinVar (database versions not stated): gnomAD exomes 0.00001 and 0.00002; ExAC 0.00003; TOPMed 0.00003.
gnomAD v4.1: 18 of 1,614,024 alleles (0.0011%); highest among the groups gnomAD compares: Middle Eastern, 0.017%; no homozygotes.

Submissions (3):

Labcorp Genetics (formerly Invitae), Labcorp
Classification: Uncertain significance for Neutropenia, severe congenital, 2, autosomal dominant. Last evaluated: 2024-11-27. Review status: criteria provided, single submitter. Criteria: Invitae Variant Classification Sherloc (09022015). Collection method: clinical testing. Allele origin: germline.
Comment: This sequence change replaces serine, which is neutral and polar, with threonine, which is neutral and polar, at codon 78 of the GFI1 protein (p.Ser78Thr). This variant is present in population databases (rs770306507, gnomAD 0.01%). This missense change has been observed in individual(s) with clinical features of severe congenital neutropenia (PMID: 37216690). ClinVar contains an entry for this variant (Variation ID: 1517491). Invitae Evidence Modeling of protein sequence and biophysical properties (such as structural, functional, and spatial information, amino acid conservation, physicochemical variation, residue mobility, and thermodynamic stability) indicates that this missense variant is not expected to disrupt GFI1 protein function with a negative predictive value of 80%. In summary, the available evidence is currently insufficient to determine the role of this variant in disease. Therefore, it has been classified as a Variant of Uncertain Significance.

CeGaT Center for Human Genetics Tuebingen
Classification: Likely benign. Last evaluated: 2023-12-01. Review status: criteria provided, single submitter. Criteria: CeGaT Center For Human Genetics Tuebingen Variant Classification Criteria Version 2. Collection method: clinical testing. Allele origin: germline. Affected: yes. Observed: 1 variant allele.
Comment: GFI1: BP4

Fulgent Genetics
Classification: Uncertain significance for Nonimmune chronic idiopathic neutropenia of adults; Neutropenia, severe congenital, 2, autosomal dominant. Last evaluated: 2021-10-08. Review status: criteria provided, single submitter. Criteria: ACMG Guidelines, 2015. Collection method: clinical testing. Allele origin: unknown.

Literature cited by the submitters: PubMed 37216690 (cited by Labcorp Genetics (formerly Invitae), Labcorp).